The following is an entry in ClinVar:

NM_005918.4(MDH2):c.727G>A (p.Gly243Arg)

Gene: MDH2 (malate dehydrogenase 2; plus strand). Cytogenetic location: 7q11.23.
Variant type: single nucleotide variant.
Coding change: c.727G>A on transcript NM_005918.4 (MANE Select); coding-DNA position 727, G replaced by A.
Protein change: p.Gly243Arg; replaces glycine 243 with arginine.
Molecular consequence: missense variant.
Genome position (GRCh38, 1-based): chr7:76,064,432, G>A. VCF-style: chr7-76064432-G-A. GRCh37 (hg19) VCF-style: chr7-75693750-G-A.
Other names: c.727G>A (NM_005918.2); c.601G>A, p.Gly201Arg (NM_001282403.2); c.406G>A, p.Gly136Arg (NM_001282404.2); short protein forms G201R, G243R, G136R.
Identifiers: ClinVar variation 1355669 (VCV001355669.9), dbSNP rs139907444, ClinGen allele CA4305663.
Genomic context (GRCh38, chr7:76,064,432, plus strand): 5'-CTGACAGCACTCACTGGGCGGATCCAGGAGGCCGGCACGGAGGTGGTCAAGGCTAAAGCC[G>A]GAGCAGGTAGAGTCTCAGGCAGCCCCGGGGCTGGGTGCCAGTGAGGCCCTGCGAGAGCTC-3'
Protein context (NP_005909.2, residues 233-253): AGTEVVKAKA[Gly243Arg]AGSATLSMAY

ClinVar aggregate classification (germline): Uncertain significance. Review status: criteria provided, multiple submitters, no conflicts (2 of 4 stars). 3 submissions from 3 submitters: Uncertain significance (3). Last evaluated 2026-02-02.

Conditions:
Inborn genetic diseases. Identifiers: MedGen C0950123, MeSH D030342.

Allele frequency attached by ClinVar (database versions not stated): gnomAD exomes 0.00002 and 0.00007; ESP Exome Variant Server 0.00031; gnomAD 0.00003 and 0.00004; TOPMed 0.00003; ExAC 0.00004.
gnomAD v4.1: 98 of 1,611,854 alleles (0.0061%); highest among the groups gnomAD compares: Non-Finnish European, 0.008%; no homozygotes.

Submissions (3):

Labcorp Genetics (formerly Invitae), Labcorp
Classification: Uncertain significance. Last evaluated: 2026-02-02. Review status: criteria provided, single submitter. Criteria: Invitae Variant Classification Sherloc (09022015). Collection method: clinical testing. Allele origin: germline.
Comment: This sequence change replaces glycine, which is neutral and non-polar, with arginine, which is basic and polar, at codon 243 of the MDH2 protein (p.Gly243Arg). The frequency data for this variant in the population databases is considered unreliable, as metrics indicate poor data quality at this position in the gnomAD database. This variant has not been reported in the literature in individuals affected with MDH2-related conditions. ClinVar contains an entry for this variant (Variation ID: 1355669). An algorithm developed to predict the effect of missense changes on protein structure and function (PolyPhen-2) suggests that this variant is likely to be disruptive. In summary, the available evidence is currently insufficient to determine the role of this variant in disease. Therefore, it has been classified as a Variant of Uncertain Significance.

Dasa
Classification: Uncertain significance. Last evaluated: 2025-06-08. Review status: criteria provided, single submitter. Criteria: DASA Assertion Criteria. Collection method: clinical testing. Allele origin: germline.
Comment: NM_005918.4(MDH2):c.727G>A (p.Gly243Arg) is a missense variant that results in the substitution of glycine with arginine. This variant is rare in population databases. Computational prediction algorithms are consistent with a deleterious effect. The currently available literature and clinical evidence are not sufficient to establish a definitive association between this variant and the reported condition. Therefore, this variant is classified as a variant of uncertain significance.

Ambry Genetics
Classification: Uncertain significance for Inborn genetic diseases. Last evaluated: 2021-09-01. Review status: criteria provided, single submitter. Criteria: Ambry Variant Classification Scheme 2023. Collection method: clinical testing. Allele origin: germline.